The following is an entry in ClinVar:

NM_002516.4(NOVA2):c.736GCC[5] (p.Ala249dup)

Gene: NOVA2 (NOVA alternative splicing regulator 2; minus strand). Cytogenetic location: 19q13.32.
Variant type: Microsatellite.
Coding change: c.736GCC[5] on transcript NM_002516.4 (MANE Select); five copies in a row of the 3-base unit GCC starting at c.736; the reference has four copies in a row; one copy, 3 bases duplicated.
Protein change: p.Ala249dup; duplicates alanine 249.
Molecular consequence: inframe insertion.
Genome position (GRCh38, 1-based): chr19:45,940,595-45,940,597, GGC duplicated on the plus strand (GCC on the coding strand, the reverse complement: NOVA2 is on the minus strand); duplicating any 3 consecutive bases within chr19:45,940,595-45,940,606 gives the same sequence; the position shown is the placement nearest the transcript's 3' end. VCF-style (leftmost placement, unchanged base first): chr19-45940594-A-AGGC. GRCh37 (hg19) VCF-style: chr19-46443852-A-AGGC.
Identifiers: ClinVar variation 1391816 (VCV001391816.6), dbSNP rs1273148308, ClinGen allele CA633482836.
Genomic context (GRCh38, chr19:45,940,594, plus strand): 5'-CGGGCAGCGCGGCGGGAAAGGCCCCCACGCCAGCCAGCCCGGCGGGGCCCAGCAGGCCGG[A>AGGC]GGCGGCGGCGGCCGACGCTGCGGCCGCGGCTGGCAGCACATCCGCGGGGCTGGCGTACGG-3'

ClinVar aggregate classification (germline): Uncertain significance (1 of 4 stars; one submission).

Submission:

Labcorp Genetics (formerly Invitae), Labcorp
Classification: Uncertain significance. Last evaluated: 2023-11-22. Review status: criteria provided, single submitter. Criteria: Invitae Variant Classification Sherloc (09022015). Collection method: clinical testing. Allele origin: germline.
Comment: This variant, c.745_747dup, results in the insertion of 1 amino acid(s) of the NOVA2 protein (p.Ala249dup), but otherwise preserves the integrity of the reading frame. This variant is present in population databases (no rsID available, gnomAD 0.007%). This variant has not been reported in the literature in individuals affected with NOVA2-related conditions. In summary, the available evidence is currently insufficient to determine the role of this variant in disease. Therefore, it has been classified as a Variant of Uncertain Significance.